The following is an entry in ClinVar:

ClinVar aggregate classification (germline): Benign/Likely benign. Review status: criteria provided, multiple submitters, no conflicts (2 of 4 stars). 9 submissions from 9 submitters: Benign (1); Likely benign (5). 3 of the submissions do not count toward it. Last evaluated 2026-03-01.

Conditions:
IFIH1-related disorder. Also called: IFIH1-related condition.
Singleton-Merten syndrome 1 (SGMRT1). Also called: Widened medullary cavities of bone, aortic calcification, abnormal dentition, and muscular weakness; Syndrome of widened medullary cavities of the metacarpals and phalanges, aortic calcification and abnormal dentition. Identifiers: Orphanet 85191, MedGen C4225427, MONDO:0024535, OMIM 182250.
Aicardi-Goutieres syndrome 7 (AGS7). Identifiers: Orphanet 51, MedGen C3888244, MONDO:0014367, OMIM 615846.

Allele frequency attached by ClinVar (database versions not stated): ExAC 0.00220; ESP Exome Variant Server 0.00223; gnomAD exomes 0.00235 and 0.00338; TOPMed 0.00243; gnomAD 0.00248 and 0.00253; 1000 Genomes Project 30x 0.00109; 1000 Genomes Project 0.00120.
gnomAD v4.1: 5,341 of 1,612,420 alleles (0.33%); highest among the groups gnomAD compares: Non-Finnish European, 0.4%; 20 homozygotes.

Submissions (9):

CeGaT Center for Human Genetics Tuebingen
Classification: Likely benign. Last evaluated: 2026-03-01. Review status: criteria provided, single submitter. Criteria: CeGaT Center For Human Genetics Tuebingen Variant Classification Criteria Version 2. Collection method: clinical testing. Allele origin: germline. Affected: yes. Observed: 23 variant alleles.
Comment: IFIH1: BP4, BS2

Labcorp Genetics (formerly Invitae), Labcorp
Classification: Likely benign for Aicardi-Goutieres syndrome 7; Singleton-Merten syndrome 1. Last evaluated: 2026-02-02. Review status: criteria provided, single submitter. Criteria: Invitae Variant Classification Sherloc (09022015). Collection method: clinical testing. Allele origin: germline.

Mayo Clinic Laboratories, Mayo Clinic
Classification: Benign. Last evaluated: 2025-06-30. Review status: criteria provided, single submitter. Criteria: ACMG Guidelines, 2015. Collection method: clinical testing. Allele origin: germline. Observed: 4 variant alleles.
Comment: BS1, BS2, BP4_moderate

Blueprint Genetics
Classification: Likely benign. Last evaluated: 2024-11-26. Review status: criteria provided, single submitter. Criteria: ACMG Guidelines, 2015. Collection method: clinical testing. Allele origin: germline.

Genetics and Molecular Pathology, SA Pathology
Classification: Likely benign for Aicardi-Goutieres syndrome 7. Last evaluated: 2020-06-30. Review status: criteria provided, single submitter. Criteria: ACMG Guidelines, 2015. Collection method: clinical testing. Allele origin: germline. Inheritance: Autosomal dominant inheritance. Affected: yes.

Breakthrough Genomics
Classification: Likely benign. Review status: criteria provided, single submitter. Criteria: ACMG Guidelines, 2015. Collection method: not provided. Allele origin: germline. Inheritance: Autosomal recessive inheritance. Affected: yes.

PreventionGenetics, part of Exact Sciences
Classification: Benign for IFIH1-related condition. Last evaluated: 2020-02-25. Review status: no assertion criteria provided. Collection method: clinical testing. Allele origin: germline. Not counted in ClinVar's aggregate classification.
Comment: This variant is classified as benign based on ACMG/AMP sequence variant interpretation guidelines (Richards et al. 2015 PMID: 25741868, with internal and published modifications).

Clinical Genetics DNA and cytogenetics Diagnostics Lab, Erasmus MC, Erasmus Medical Center
Classification: Likely benign. Review status: no assertion criteria provided. Collection method: clinical testing. Allele origin: germline. Affected: yes. Study: VKGL Data-share Consensus. Not counted in ClinVar's aggregate classification.

Genome Diagnostics Laboratory, University Medical Center Utrecht
Classification: Likely benign. Review status: no assertion criteria provided. Collection method: clinical testing. Allele origin: germline. Affected: yes. Study: VKGL Data-share Consensus. Not counted in ClinVar's aggregate classification.

NM_022168.4(IFIH1):c.2105C>T (p.Thr702Ile)

Gene: IFIH1 (interferon induced with helicase C domain 1; minus strand). Cytogenetic location: 2q24.2.
Variant type: single nucleotide variant.
Coding change: c.2105C>T on transcript NM_022168.4 (MANE Select); coding-DNA position 2105, C replaced by T.
Protein change: p.Thr702Ile; replaces threonine 702 with isoleucine.
Molecular consequence: missense variant.
Genome position (GRCh38, 1-based): chr2:162,276,886, G>A on the plus strand (C>T on the coding strand, the complement: IFIH1 is on the minus strand). VCF-style: chr2-162276886-G-A. GRCh37 (hg19) VCF-style: chr2-163133396-G-A.
Other names: p.Thr702Ile; c.2105C>T, p.Thr702Ile (LRG_1235t1); short protein forms T702I.
Identifiers: ClinVar variation 541787 (VCV000541787.51), dbSNP rs72650663, ClinGen allele CA1934291.